The following is an entry in ClinVar:

NC_000023.10:g.(?_37639269)_(37672715_?)dup

Gene: CYBB (cytochrome b-245 beta chain; plus strand). Cytogenetic location: Xp11.4.
Variant type: Duplication.
Identifiers: ClinVar variation 1677167 (VCV001677167.1).

ClinVar aggregate classification (germline): Uncertain significance (1 of 4 stars; one submission).

Submission:

Women's Health and Genetics/Laboratory Corporation of America, LabCorp
Classification: Uncertain significance. Last evaluated: 2022-03-21. Review status: criteria provided, single submitter. Criteria: LabCorp Variant Classification Summary - May 2015. Collection method: clinical testing. Allele origin: germline.
Comment: Variant summary: The variant identified by MLPA or other technology involves the duplication of exons 1-13 (i.e. the full coding sequence) of the CYBB gene. A presumed nomenclature of c.(?_-62)_(*2545_?)dup has been designated for the purposes of this classification. It has been assumed that this is a tandem duplication in direct orientation (Richardson_GIM_2018, Newman_AJHG_2015). Since exact breakpoints of this duplication are not known, it might extend beyond the assayed region of the CYBB gene. The variant was absent in 15814 control chromosomes in the gnomAD database, structural variants dataset. The available data on variant occurrences in the general population are insufficient to allow any conclusion about variant significance. This report does not provide unequivocal conclusions about association of the variant with X-Linked Chronic Granulomatous Disease. To our knowledge, no experimental evidence demonstrating an impact on protein function has been reported. One clinical diagnostic laboratory has submitted clinical-significance assessments for this variant to ClinVar after 2014, and classified the variant as uncertain significance. Based on the evidence outlined above, the variant was classified as uncertain significance.

Literature cited by the submitters: PubMed 19449031.